The following is an entry in ClinVar:

NM_000321.3(RB1):c.2284C>T (p.Gln762Ter)

Gene: RB1 (RB transcriptional corepressor 1; plus strand). Cytogenetic location: 13q14.2.
Variant type: single nucleotide variant.
Coding change: c.2284C>T on transcript NM_000321.3 (MANE Select); coding-DNA position 2284, C replaced by T.
Protein change: p.Gln762Ter; replaces glutamine 762 with a stop codon.
Molecular consequence: nonsense.
Genome position (GRCh38, 1-based): chr13:48,465,070, C>T. VCF-style: chr13-48465070-C-T. GRCh37 (hg19) VCF-style: chr13-49039206-C-T.
Other names: short protein forms Q762*.
Identifiers: ClinVar variation 647382 (VCV000647382.9), dbSNP rs1593539225, ClinGen allele CA388167645.

ClinVar aggregate classification (germline): Pathogenic. Review status: criteria provided, multiple submitters, no conflicts (2 of 4 stars). 2 submissions from 2 submitters: Pathogenic (2). Last evaluated 2024-05-20.

Conditions:
Retinoblastoma (RB1). Also called: RETINOBLASTOMA, SOMATIC. Identifiers: Orphanet 790, MedGen C0035335, MeSH D012175, MONDO:0008380, OMIM 180200, HP:0009919. Disease mechanism: loss of function. Inheritance: Both sporadic and heritable forms are tested..

Submissions (2):

Genetic Diagnostic Laboratory, University of Pennsylvania School of Medicine
Classification: Pathogenic for Retinoblastoma. Last evaluated: 2024-05-20. Review status: criteria provided, single submitter. Criteria: ACMG Guidelines, 2015. Collection method: clinical testing. Allele origin: germline. Affected: yes. Observed: 1 variant allele.
Comment: Case and Pedigree Information: BILATERAL CASES:1, UNILATERAL CASES:0, TOTAL CASES:1, PEDIGREES:1. ACMG Codes Applied:PVS1, PM2

Labcorp Genetics (formerly Invitae), Labcorp
Classification: Pathogenic for Retinoblastoma. Last evaluated: 2018-10-23. Review status: criteria provided, single submitter. Criteria: Invitae Variant Classification Sherloc (09022015). Collection method: clinical testing. Allele origin: germline.
Comment: For these reasons, this variant has been classified as Pathogenic. Loss-of-function variants in RB1 are known to be pathogenic (PMID: 17096365). This variant has been observed in individuals affected with retinoblastoma (PMID: 8776589, 24225018, 25754945). This variant is not present in population databases (ExAC no frequency). This sequence change creates a premature translational stop signal (p.Gln762*) in the RB1 gene. It is expected to result in an absent or disrupted protein product.

Literature cited by the submitters: PubMed 17096365 (cited by Labcorp Genetics (formerly Invitae), Labcorp); PubMed 8776589 (cited by Labcorp Genetics (formerly Invitae), Labcorp); PubMed 24225018 (cited by Labcorp Genetics (formerly Invitae), Labcorp); PubMed 25754945 (cited by Labcorp Genetics (formerly Invitae), Labcorp).